The following is an entry in ClinVar:

NM_000051.4(ATM):c.1225C>T (p.Leu409Phe)

Gene: ATM (ATM serine/threonine kinase; plus strand). Cytogenetic location: 11q22.3.
Variant type: single nucleotide variant.
Coding change: c.1225C>T on transcript NM_000051.4 (MANE Select); coding-DNA position 1225, C replaced by T.
Protein change: p.Leu409Phe; replaces leucine 409 with phenylalanine.
Molecular consequence: missense variant.
Genome position (GRCh38, 1-based): chr11:108,249,092, C>T. VCF-style: chr11-108249092-C-T. GRCh37 (hg19) VCF-style: chr11-108119819-C-T.
Other names: c.1225C>T, p.Leu409Phe (NM_001351834.2); short protein forms L409F.
Identifiers: ClinVar variation 187547 (VCV000187547.19), dbSNP rs786203815, ClinGen allele CA197924.

ClinVar aggregate classification (germline): Uncertain significance. Review status: criteria provided, multiple submitters, no conflicts (2 of 4 stars). 4 submissions from 4 submitters: Uncertain significance (4). Last evaluated 2025-12-16.

Conditions:
Hereditary cancer-predisposing syndrome. Also called: Hereditary Cancer Syndrome; Neoplastic Syndromes, Hereditary; Tumor predisposition; Hereditary neoplastic syndrome. Identifiers: Orphanet 140162, MedGen C0027672, MeSH D009386, MONDO:0015356.
Ataxia-telangiectasia syndrome (AT). Also called: Ataxia-telangiectasia, complementation group D; AT, COMPLEMENTATION GROUP C; ATAXIA-TELANGIECTASIA, COMPLEMENTATION GROUP A; ATAXIA-TELANGIECTASIA, FRESNO VARIANT; Ataxia-telangiectasia; LOUIS-BAR SYNDROME. Identifiers: Orphanet 100, MedGen C0004135, MONDO:0008840, OMIM 208900.

Allele frequency attached by ClinVar (database versions not stated): gnomAD exomes below 0.00001; gnomAD 0.00001; TOPMed 0.00001.
gnomAD v4.1: 2 of 1,613,732 alleles (0.00012%); highest among the groups gnomAD compares: Non-Finnish European, 0.00017%; no homozygotes.

Submissions (4):

Labcorp Genetics (formerly Invitae), Labcorp
Classification: Uncertain significance for Ataxia-telangiectasia syndrome. Last evaluated: 2025-12-16. Review status: criteria provided, single submitter. Criteria: Invitae Variant Classification Sherloc (09022015). Collection method: clinical testing. Allele origin: germline.
Comment: This sequence change replaces leucine, which is neutral and non-polar, with phenylalanine, which is neutral and non-polar, at codon 409 of the ATM protein (p.Leu409Phe). This variant is present in population databases (rs786203815, gnomAD 0.0009%). This variant has not been reported in the literature in individuals affected with ATM-related conditions. ClinVar contains an entry for this variant (Variation ID: 187547). Invitae Evidence Modeling of protein sequence and biophysical properties (such as structural, functional, and spatial information, amino acid conservation, physicochemical variation, residue mobility, and thermodynamic stability) indicates that this missense variant is not expected to disrupt ATM protein function with a negative predictive value of 95%. RNA analysis performed to evaluate the impact of this missense change on mRNA splicing indicates it does not significantly alter splicing (internal data). In summary, the available evidence is currently insufficient to determine the role of this variant in disease. Therefore, it has been classified as a Variant of Uncertain Significance.

Ambry Genetics
Classification: Uncertain significance for Hereditary cancer-predisposing syndrome. Last evaluated: 2024-05-05. Review status: criteria provided, single submitter. Criteria: Ambry Variant Classification Scheme 2023. Collection method: clinical testing. Allele origin: germline.
Comment: The p.L409F variant (also known as c.1225C>T), located in coding exon 8 of the ATM gene, results from a C to T substitution at nucleotide position 1225. The leucine at codon 409 is replaced by phenylalanine, an amino acid with highly similar properties. This amino acid position is not well conserved in available vertebrate species. In addition, this alteration is predicted to be tolerated by in silico analysis. Since supporting evidence is limited at this time, the clinical significance of this alteration remains unclear.

GeneDx
Classification: Uncertain significance. Last evaluated: 2023-05-30. Review status: criteria provided, single submitter. Criteria: GeneDx Variant Classification Process June 2021. Collection method: clinical testing. Allele origin: germline. Affected: yes.
Comment: Not observed at significant frequency in large population cohorts (gnomAD); In silico analysis supports that this missense variant does not alter protein structure/function; Has not been previously published as pathogenic or benign to our knowledge

Color Diagnostics, LLC DBA Color Health
Classification: Uncertain significance for Hereditary cancer-predisposing syndrome. Last evaluated: 2020-01-13. Review status: criteria provided, single submitter. Criteria: ACMG Guidelines, 2015. Collection method: clinical testing. Allele origin: germline.
Comment: This missense variant replaces leucine with phenylalanine at codon 409 of the ATM protein. Computational prediction suggests that this variant may not impact protein structure and function (internally defined REVEL score threshold <= 0.5, PMID: 27666373). Splice site prediction tools suggest that this variant may not impact RNA splicing. To our knowledge, functional studies have not been performed for this variant. This variant has not been reported in individuals affected with hereditary cancer in the literature. This variant has been identified in 1/251100 chromosomes in the general population by the Genome Aggregation Database (gnomAD). The available evidence is insufficient to determine the role of this variant in disease conclusively. Therefore, this variant is classified as a Variant of Uncertain Significance.